The following is an entry in ClinVar:

NM_031308.4(EPPK1):c.7068C>T (p.Arg2356=)

Gene: EPPK1 (epiplakin 1; minus strand). Cytogenetic location: 8q24.3.
Variant type: single nucleotide variant.
Coding change: c.7068C>T on transcript NM_031308.4 (MANE Select); coding-DNA position 7068, C replaced by T.
Protein change: p.Arg2356=; no amino-acid change (arginine 2356 retained).
Molecular consequence: synonymous variant.
Genome position (GRCh38, 1-based): chr8:143,866,186, G>A on the plus strand (C>T on the coding strand, the complement: EPPK1 is on the minus strand). VCF-style: chr8-143866186-G-A.
Identifiers: ClinVar variation 3053023 (VCV003053023.1), dbSNP rs1461373259, ClinGen allele CA372480216.

ClinVar aggregate classification (germline): Likely benign (1 of 4 stars; one submission).

Conditions:
EPPK1-related disorder. Also called: EPPK1-related condition.

Allele frequency attached by ClinVar (database versions not stated): gnomAD exomes 0.00002.

Submission:

PreventionGenetics, part of Exact Sciences
Classification: Likely benign for EPPK1-related condition. Last evaluated: 2022-04-26. Review status: criteria provided, single submitter. Criteria: ACMG Guidelines, 2015. Collection method: clinical testing. Allele origin: germline.
Comment: This variant is classified as likely benign based on ACMG/AMP sequence variant interpretation guidelines (Richards et al. 2015 PMID: 25741868, with internal and published modifications).